The following is an entry in ClinVar:

ClinVar aggregate classification (germline): Pathogenic (1 of 4 stars; one submission).

Allele frequency attached by ClinVar (database versions not stated): gnomAD exomes below 0.00001.
gnomAD v4.1: 2 of 1,610,176 alleles (0.00012%); highest among the groups gnomAD compares: Non-Finnish European, 0.00017%; no homozygotes.

Submission:

Labcorp Genetics (formerly Invitae), Labcorp
Classification: Pathogenic. Last evaluated: 2022-12-30. Review status: criteria provided, single submitter. Criteria: Invitae Variant Classification Sherloc (09022015). Collection method: clinical testing. Allele origin: germline.
Comment: For these reasons, this variant has been classified as Pathogenic. This variant has not been reported in the literature in individuals affected with DMXL2-related conditions. This variant is not present in population databases (gnomAD no frequency). This sequence change creates a premature translational stop signal (p.Arg1852*) in the DMXL2 gene. It is expected to result in an absent or disrupted protein product. Loss-of-function variants in DMXL2 are known to be pathogenic (PMID: 30237576, 31688942).

Literature cited by the submitters: PubMed 30237576; PubMed 31688942.

NM_001378457.1(DMXL2):c.5554C>T (p.Arg1852Ter)

Gene: DMXL2 (Dmx like 2; minus strand). Cytogenetic location: 15q21.2.
Variant type: single nucleotide variant.
Coding change: c.5554C>T on transcript NM_001378457.1 (MANE Select); coding-DNA position 5554, C replaced by T.
Protein change: p.Arg1852Ter; replaces arginine 1852 with a stop codon.
Molecular consequence: nonsense. On other transcripts: non-coding transcript variant (2).
Genome position (GRCh38, 1-based): chr15:51,481,552, G>A on the plus strand (C>T on the coding strand, the complement: DMXL2 is on the minus strand). VCF-style: chr15-51481552-G-A. GRCh37 (hg19) VCF-style: chr15-51773749-G-A.
Other names: c.5554C>T, p.Arg1852Ter (NM_001174116.3, NM_001378458.1, NM_001378459.1 and 4 more transcripts); c.3646C>T, p.Arg1216Ter (NM_001174117.3); c.3535C>T, p.Arg1179Ter (NM_001378460.1); c.5314C>T, p.Arg1772Ter (NM_001378464.1); short protein forms R1216*, R1852*, R1179*, R1772*.
Identifiers: ClinVar variation 2825102 (VCV002825102.3), dbSNP rs2042010887, ClinGen allele CA392445580.